The following is an entry in ClinVar:

ClinVar aggregate classification (germline): Uncertain significance. Review status: criteria provided, multiple submitters, no conflicts (2 of 4 stars). 3 submissions from 3 submitters: Uncertain significance (3). Last evaluated 2026-08-17.

Conditions:
Primary ciliary dyskinesia. Also called: Ciliary dyskinesia. Identifiers: Orphanet 244, MedGen C0008780, MONDO:0016575, HP:0012265.
Joubert syndrome. Also called: JOUBERT-BOLTSHAUSER SYNDROME; Familial aplasia of the vermis. Identifiers: Orphanet 475, MedGen C5979921, MONDO:0018772.
Orofaciodigital syndrome I (OFD1). Also called: OFDS I; Papillon-Leage and Psaume Syndrome; Oral-Facial-Digital Syndrome Type I. Identifiers: Orphanet 2750, MedGen C1510460, MONDO:0010702, OMIM 311200.

Allele frequency attached by ClinVar (database versions not stated): ExAC 0.00001; TOPMed 0.00002; ESP Exome Variant Server 0.00009; gnomAD exomes 0.00001; gnomAD 0.00003.
gnomAD v4.1: 5 of 1,166,428 alleles (0.00043%); highest among the groups gnomAD compares: African/African-American, 0.009%; no homozygotes.

Submissions (3):

Ambry Genetics
Classification: Uncertain significance for Primary ciliary dyskinesia. Last evaluated: 2026-08-17. Review status: criteria provided, single submitter. Criteria: Ambry Variant Classification Scheme 2023. Collection method: clinical testing. Allele origin: germline.
Comment: The c.2030A>T (p.E677V) alteration is located in exon 16 (coding exon 16) of the OFD1 gene. This alteration results from a A to T substitution at nucleotide position 2030, causing the glutamic acid (E) at amino acid position 677 to be replaced by a valine (V). Based on data from gnomAD, the T allele has an overall frequency of 0.001% (2/166783) total alleles studied. The highest observed frequency was 0.011% (2/18214) of African alleles. Based on insufficient or conflicting evidence, the clinical significance of this alteration remains unclear.

Labcorp Genetics (formerly Invitae), Labcorp
Classification: Uncertain significance for Orofaciodigital syndrome I; Joubert syndrome. Last evaluated: 2024-10-24. Review status: criteria provided, single submitter. Criteria: Invitae Variant Classification Sherloc (09022015). Collection method: clinical testing. Allele origin: germline.
Comment: This sequence change replaces glutamic acid, which is acidic and polar, with valine, which is neutral and non-polar, at codon 677 of the OFD1 protein (p.Glu677Val). This variant is present in population databases (rs370183911, gnomAD 0.02%). This variant has not been reported in the literature in individuals affected with OFD1-related conditions. ClinVar contains an entry for this variant (Variation ID: 404260). Invitae Evidence Modeling of protein sequence and biophysical properties (such as structural, functional, and spatial information, amino acid conservation, physicochemical variation, residue mobility, and thermodynamic stability) indicates that this missense variant is not expected to disrupt OFD1 protein function with a negative predictive value of 80%. In summary, the available evidence is currently insufficient to determine the role of this variant in disease. Therefore, it has been classified as a Variant of Uncertain Significance.

Blueprint Genetics
Classification: Uncertain significance. Last evaluated: 2022-11-18. Review status: criteria provided, single submitter. Criteria: ACMG Guidelines, 2015. Collection method: clinical testing. Allele origin: germline.

NM_003611.3(OFD1):c.2030A>T (p.Glu677Val)

Gene: OFD1 (OFD1 centriole and centriolar satellite protein; plus strand). Cytogenetic location: Xp22.2.
Variant type: single nucleotide variant.
Coding change: c.2030A>T on transcript NM_003611.3 (MANE Select); coding-DNA position 2030, A replaced by T.
Protein change: p.Glu677Val; replaces glutamic acid 677 with valine.
Molecular consequence: missense variant.
Genome position (GRCh38, 1-based): chrX:13,760,490, A>T. VCF-style: chrX-13760490-A-T. GRCh37 (hg19) VCF-style: chrX-13778609-A-T.
Other names: c.1910A>T, p.Glu637Val (NM_001330209.2); c.1610A>T, p.Glu537Val (NM_001330210.2); short protein forms E677V, E537V, E637V.
Identifiers: ClinVar variation 404260 (VCV000404260.10), dbSNP rs370183911, ClinGen allele CA10351922.